The following is an entry in ClinVar:

NM_006231.4(POLE):c.1137C>T (p.His379=)

Gene: POLE (DNA polymerase epsilon, catalytic subunit; minus strand). Cytogenetic location: 12q24.33.
Variant type: single nucleotide variant.
Coding change: c.1137C>T on transcript NM_006231.4 (MANE Select); coding-DNA position 1137, C replaced by T.
Protein change: p.His379=; no amino-acid change (histidine 379 retained).
Molecular consequence: synonymous variant.
Genome position (GRCh38, 1-based): chr12:132,675,487, G>A on the plus strand (C>T on the coding strand, the complement: POLE is on the minus strand). VCF-style: chr12-132675487-G-A. GRCh37 (hg19) VCF-style: chr12-133252073-G-A.
Identifiers: ClinVar variation 387622 (VCV000387622.24), dbSNP rs376333939, ClinGen allele CA6894062.

ClinVar aggregate classification (germline): Benign/Likely benign. Review status: criteria provided, multiple submitters, no conflicts (2 of 4 stars). 8 submissions from 8 submitters: Benign (2); Likely benign (6). Last evaluated 2026-07-14.

Conditions:
POLE-related disorder. Also called: POLE-related disorders; POLE-related condition.
Hereditary cancer-predisposing syndrome. Also called: Neoplastic Syndromes, Hereditary; Tumor predisposition; Hereditary Cancer Syndrome; Hereditary neoplastic syndrome. Identifiers: Orphanet 140162, MedGen C0027672, MeSH D009386, MONDO:0015356.
Colorectal cancer, susceptibility to, 12 (CRCS12). Also called: COLORECTAL CANCER, SUSCEPTIBILITY TO, ON CHROMOSOME 12q24. Identifiers: Orphanet 220460, MedGen C3554460, MONDO:0014038, OMIM 615083.

Allele frequency attached by ClinVar (database versions not stated): TOPMed 0.00001; gnomAD 0.00002; gnomAD exomes 0.00002 and 0.00003; ExAC 0.00004; ESP Exome Variant Server 0.00008.
gnomAD v4.1: 26 of 1,614,000 alleles (0.0016%); highest among the groups gnomAD compares: South Asian, 0.0088%; no homozygotes.

Submissions (8):

PreventionGenetics, part of Exact Sciences
Classification: Likely benign for POLE-related condition. Last evaluated: 2026-07-14. Review status: criteria provided, single submitter. Criteria: ACMG Guidelines, 2015. Collection method: clinical testing. Allele origin: germline.
Comment: This variant is classified as likely benign based on ACMG/AMP sequence variant interpretation guidelines (Richards et al. 2015 PMID: 25741868, with internal and published modifications).

Labcorp Genetics (formerly Invitae), Labcorp
Classification: Likely benign. Last evaluated: 2026-01-18. Review status: criteria provided, single submitter. Criteria: Invitae Variant Classification Sherloc (09022015). Collection method: clinical testing. Allele origin: germline.

Myriad Genetics, Inc.
Classification: Benign for Colorectal cancer, susceptibility to, 12. Last evaluated: 2025-02-10. Review status: criteria provided, single submitter. Criteria: Myriad Autosomal Dominant, Autosomal Recessive and X-Linked Classification Criteria (2023). Collection method: clinical testing. Allele origin: unknown.
Comment: This variant is considered benign. This variant is a silent/synonymous amino acid change and it is not expected to impact splicing.

KCCC/NGS Laboratory, Kuwait Cancer Control Center
Classification: Benign for Colorectal cancer, susceptibility to, 12. Last evaluated: 2025-02-01. Review status: criteria provided, single submitter. Criteria: ACMG Guidelines, 2015. Collection method: clinical testing. Allele origin: germline. Affected: no.

Sema4
Classification: Likely benign for Hereditary cancer-predisposing syndrome. Last evaluated: 2021-04-03. Review status: criteria provided, single submitter. Criteria: Sema4 Curation Guidelines. Collection method: curation. Allele origin: germline.

GeneDx
Classification: Likely benign. Last evaluated: 2020-03-13. Review status: criteria provided, single submitter. Criteria: GeneDx Variant Classification Process June 2021. Collection method: clinical testing. Allele origin: germline. Affected: yes.

Quest Diagnostics Nichols Institute San Juan Capistrano
Classification: Likely benign. Last evaluated: 2019-05-15. Review status: criteria provided, single submitter. Criteria: Quest Diagnostics criteria. Collection method: clinical testing. Allele origin: germline.

Ambry Genetics
Classification: Likely benign for Hereditary cancer-predisposing syndrome. Last evaluated: 2015-10-10. Review status: criteria provided, single submitter. Criteria: Ambry Variant Classification Scheme 2023. Collection method: clinical testing. Allele origin: germline.